The following is an entry in ClinVar:

ClinVar aggregate classification (germline): Uncertain significance (1 of 4 stars; one submission).

Submission:

Labcorp Genetics (formerly Invitae), Labcorp
Classification: Uncertain significance. Last evaluated: 2023-08-17. Review status: criteria provided, single submitter. Criteria: Invitae Variant Classification Sherloc (09022015). Collection method: clinical testing. Allele origin: germline.
Comment: This variant is not present in population databases (gnomAD no frequency). This sequence change replaces alanine, which is neutral and non-polar, with valine, which is neutral and non-polar, at codon 128 of the FH protein (p.Ala128Val). This variant has not been reported in the literature in individuals affected with FH-related conditions. In summary, the available evidence is currently insufficient to determine the role of this variant in disease. Therefore, it has been classified as a Variant of Uncertain Significance. Advanced modeling of protein sequence and biophysical properties (such as structural, functional, and spatial information, amino acid conservation, physicochemical variation, residue mobility, and thermodynamic stability) performed at Invitae indicates that this missense variant is not expected to disrupt FH protein function.

NM_000143.4(FH):c.383C>T (p.Ala128Val)

Gene: FH (fumarate hydratase; minus strand). Cytogenetic location: 1q43.
Variant type: single nucleotide variant.
Coding change: c.383C>T on transcript NM_000143.4 (MANE Select); coding-DNA position 383, C replaced by T.
Protein change: p.Ala128Val; replaces alanine 128 with valine.
Molecular consequence: missense variant.
Genome position (GRCh38, 1-based): chr1:241,512,139, G>A on the plus strand (C>T on the coding strand, the complement: FH is on the minus strand). VCF-style: chr1-241512139-G-A. GRCh37 (hg19) VCF-style: chr1-241675439-G-A.
Other names: short protein forms A128V.
Identifiers: ClinVar variation 2908203 (VCV002908203.3), dbSNP rs2147922034, ClinGen allele CA345440224.
Genomic context (GRCh38, chr1:241,512,139, plus strand): 5'-TGAGTTCCTGATCCAGTCTGCCATACCACGAGAGGAAAATGATCATTTAATTTACCTTCA[G>A]CTACCTGCAGAAAAAATGTTAAAAATGTATTTTAAAAAAGGAAATAATAATGCTGATTAT-3'
Protein context (NP_000134.2, residues 118-138): NAIMKAADEV[Ala128Val]EGKLNDHFPL